The following is an entry in ClinVar:

ClinVar aggregate classification (germline): Uncertain significance (1 of 4 stars; one submission).

Submission:

Ambry Genetics
Classification: Uncertain significance. Last evaluated: 2026-03-03. Review status: criteria provided, single submitter. Criteria: Ambry Variant Classification Scheme 2023. Collection method: clinical testing. Allele origin: germline.
Comment: The p.N19T variant (also known as c.56A>C), located in coding exon 1 of the SRP72 gene, results from an A to C substitution at nucleotide position 56. The asparagine at codon 19 is replaced by threonine, an amino acid with similar properties. This amino acid position is conserved. In addition, this alteration is predicted to be tolerated by in silico analysis. Based on the available evidence, the clinical significance of this variant remains unclear.

NM_006947.4(SRP72):c.56A>C (p.Asn19Thr)

Gene: SRP72 (signal recognition particle 72; plus strand). Cytogenetic location: 4q12.
Variant type: single nucleotide variant.
Coding change: c.56A>C on transcript NM_006947.4 (MANE Select); coding-DNA position 56, A replaced by C.
Protein change: p.Asn19Thr; replaces asparagine 19 with threonine.
Molecular consequence: missense variant. On other transcripts: non-coding transcript variant (1).
Genome position (GRCh38, 1-based): chr4:56,467,691, A>C. VCF-style: chr4-56467691-A-C. GRCh37 (hg19) VCF-style: chr4-57333857-A-C.
Other names: c.56A>C, p.Asn19Thr (NM_001267722.2); short protein forms N19T.
Identifiers: ClinVar variation 4825782 (VCV004825782.1).